The following is an entry in ClinVar:

NM_024711.6(GIMAP6):c.1-2_1del

Gene: GIMAP6 (GTPase, IMAP family member 6; minus strand). Cytogenetic location: 7q36.1.
Variant type: Deletion.
Coding change: c.1-2_1del on transcript NM_024711.6 (MANE Select); the canonical splice acceptor site of the intron before coding-DNA position 1 through coding-DNA position 1, 3 bases deleted (AGA; older notation c.1-2_1delAGA).
Molecular consequence: splice acceptor variant, initiator codon variant.
Genome position (GRCh38, 1-based): chr7:150,630,142-150,630,144, TCT deleted on the plus strand (AGA on the coding strand, the reverse complement: GIMAP6 is on the minus strand). VCF-style (leftmost placement, unchanged base first): chr7-150630141-ATCT-A. GRCh37 (hg19) VCF-style: chr7-150327229-ATCT-A.
Other names: c.1-2_1del (NM_001244071.2, NM_001244072.2).
Identifiers: ClinVar variation 4880065 (VCV004880065.1).

ClinVar aggregate classification (germline): Uncertain significance (1 of 4 stars; one submission).

Conditions:
Primary ciliary dyskinesia. Also called: Ciliary dyskinesia. Identifiers: Orphanet 244, MedGen C0008780, MONDO:0016575, HP:0012265.

Submission:

Department of Human Genetics, Hannover Medical School
Classification: Uncertain significance for Primary Ciliary Dyskinesia. Last evaluated: 2026-04-01. Review status: criteria provided, single submitter. Criteria: ACMG Guidelines, 2015. Collection method: research. Allele origin: germline. Affected: no.
Comment: Classification performed by HerediClassify using the following criteria:['PM2_supporting: Variant occures does not occur as homozygous in gnomAD.', 'PVS1_splicing_strong: Transcript ENST00000328902 does not undergo NMD and reading frame is not preserved. Protein length change of 0.9965753424657534 observed.']